The following is an entry in ClinVar:

ClinVar aggregate classification (germline): Benign/Likely benign. Review status: criteria provided, multiple submitters, no conflicts (2 of 4 stars). 4 submissions from 4 submitters: Benign (1); Likely benign (3). Last evaluated 2025-01-30.

Conditions:
Hereditary cancer-predisposing syndrome. Also called: Hereditary neoplastic syndrome; Hereditary Cancer Syndrome; Tumor predisposition; Neoplastic Syndromes, Hereditary. Identifiers: Orphanet 140162, MedGen C0027672, MeSH D009386, MONDO:0015356.
Hereditary nonpolyposis colorectal neoplasms. Identifiers: MedGen C0009405, MeSH D003123.
Lynch syndrome 4 (LYNCH4). Also called: Hereditary non-polyposis colorectal cancer, type 4; Colorectal cancer, hereditary nonpolyposis, type 4. Identifiers: Orphanet 144, MedGen C1838333, MONDO:0013699, OMIM 614337. Disease mechanism: loss of function.

Submissions (4):

Myriad Genetics, Inc.
Classification: Benign for Lynch syndrome 4. Last evaluated: 2025-01-30. Review status: criteria provided, single submitter. Criteria: Myriad Autosomal Dominant, Autosomal Recessive and X-Linked Classification Criteria (2023). Collection method: clinical testing. Allele origin: unknown.
Comment: This variant is considered benign. This variant is a silent/synonymous amino acid change and it is not expected to impact splicing.

Labcorp Genetics (formerly Invitae), Labcorp
Classification: Likely benign for Hereditary nonpolyposis colorectal neoplasms. Last evaluated: 2024-10-29. Review status: criteria provided, single submitter. Criteria: Invitae Variant Classification Sherloc (09022015). Collection method: clinical testing. Allele origin: germline.

Ambry Genetics
Classification: Likely benign for Hereditary cancer-predisposing syndrome. Last evaluated: 2022-01-15. Review status: criteria provided, single submitter. Criteria: Ambry Variant Classification Scheme 2023. Collection method: clinical testing. Allele origin: germline.

Genetic Services Laboratory, University of Chicago
Classification: Likely benign. Last evaluated: 2016-01-12. Review status: criteria provided, single submitter. Criteria: ACMG Guidelines, 2015. Collection method: clinical testing. Allele origin: germline. Affected: no.

NM_000535.7(PMS2):c.1332G>A (p.Arg444=)

Gene: PMS2 (PMS1 homolog 2, mismatch repair system component; minus strand). Cytogenetic location: 7p22.1.
Variant type: single nucleotide variant.
Coding change: c.1332G>A on transcript NM_000535.7 (MANE Select); coding-DNA position 1332, G replaced by A.
Protein change: p.Arg444=; no amino-acid change (arginine 444 retained).
Molecular consequence: synonymous variant. On other transcripts: non-coding transcript variant (1).
Genome position (GRCh38, 1-based): chr7:5,987,433, C>T on the plus strand (G>A on the coding strand, the complement: PMS2 is on the minus strand). VCF-style: chr7-5987433-C-T. GRCh37 (hg19) VCF-style: chr7-6027064-C-T.
Other names: c.927G>A, p.Arg309= (NM_001322003.2, NM_001322004.2, NM_001322005.2 and 1 more transcripts); c.1176G>A, p.Arg392= (NM_001322006.2); c.1014G>A, p.Arg338= (NM_001322007.2, NM_001322008.2); c.771G>A, p.Arg257= (NM_001322010.2); c.399G>A, p.Arg133= (NM_001322011.2, NM_001322012.2); c.759G>A, p.Arg253= (NM_001322013.2); c.1332G>A, p.Arg444= (NM_001322014.2); c.1023G>A, p.Arg341= (NM_001322015.2).
Identifiers: ClinVar variation 436346 (VCV000436346.12), dbSNP rs1554297874, ClinGen allele CA453747025.
Genomic context (GRCh38, chr7:5,987,433, plus strand): 5'-GTCAGAGATGGCACCTGAAGTGCTAGAAGACAGCATACCCCTTTTCTGTCCTAGAGGGCT[C>T]CTTCTTGGTTCTGGAGTCTTTGGGCTGTGAGGCTTGTTCTCTGTTGTGTGACGAAGAGAA-3'
Protein context (NP_000526.2, residues 434-454): PHSPKTPEPR[Arg444=]SPLGQKRGML